The following is an entry in ClinVar:

NM_001848.3(COL6A1):c.2339C>A (p.Ser780Tyr)

Gene: COL6A1 (collagen type VI alpha 1 chain; plus strand). Cytogenetic location: 21q22.3.
Variant type: single nucleotide variant.
Coding change: c.2339C>A on transcript NM_001848.3 (MANE Select); coding-DNA position 2339, C replaced by A.
Protein change: p.Ser780Tyr; replaces serine 780 with tyrosine.
Molecular consequence: missense variant.
Genome position (GRCh38, 1-based): chr21:46,002,615, C>A. VCF-style: chr21-46002615-C-A. GRCh37 (hg19) VCF-style: chr21-47422529-C-A.
Other names: short protein forms S780Y.
Identifiers: ClinVar variation 1429604 (VCV001429604.8), dbSNP rs2077853664, ClinGen allele CA410536562.

ClinVar aggregate classification (germline): Uncertain significance (1 of 4 stars; one submission).

Conditions:
Bethlem myopathy 1A. Also called: MYOPATHY, BENIGN CONGENITAL, WITH CONTRACTURES; Bethlem Muscular Dystrophy; Bethlem myopathy 1. Identifiers: Orphanet 610, MedGen CN029274, MONDO:0024530, OMIM 158810.

Allele frequency attached by ClinVar (database versions not stated): gnomAD exomes below 0.00001.
gnomAD v4.1: 5 of 1,614,098 alleles (0.00031%); highest among the groups gnomAD compares: Non-Finnish European, 0.00042%; no homozygotes.

Submission:

Labcorp Genetics (formerly Invitae), Labcorp
Classification: Uncertain significance for Bethlem myopathy 1A. Last evaluated: 2021-06-12. Review status: criteria provided, single submitter. Criteria: Invitae Variant Classification Sherloc (09022015). Collection method: clinical testing. Allele origin: germline.
Comment: Advanced modeling of protein sequence and biophysical properties (such as structural, functional, and spatial information, amino acid conservation, physicochemical variation, residue mobility, and thermodynamic stability) performed at Invitae indicates that this missense variant is not expected to disrupt COL6A1 protein function. In summary, the available evidence is currently insufficient to determine the role of this variant in disease. Therefore, it has been classified as a Variant of Uncertain Significance. This variant has not been reported in the literature in individuals with COL6A1-related conditions. This variant is not present in population databases (ExAC no frequency). This sequence change replaces serine with tyrosine at codon 780 of the COL6A1 protein (p.Ser780Tyr). The serine residue is weakly conserved and there is a large physicochemical difference between serine and tyrosine.